The following is an entry in ClinVar:

NM_017777.4(MKS1):c.*96C>T

Gene: MKS1 (MKS transition zone complex subunit 1; minus strand). Cytogenetic location: 17q22.
Variant type: single nucleotide variant.
Coding change: c.*96C>T on transcript NM_017777.4 (MANE Select); 96 bases downstream of the stop codon, C replaced by T.
Molecular consequence: 3 prime UTR variant.
Genome position (GRCh38, 1-based): chr17:58,205,983, G>A on the plus strand (C>T on the coding strand, the complement: MKS1 is on the minus strand). VCF-style: chr17-58205983-G-A. GRCh37 (hg19) VCF-style: chr17-56283344-G-A.
Other names: c.*96C>T (NM_001321268.2); c.*7C>T (NM_001321269.2); c.*188C>T (NM_001330397.2).
Identifiers: ClinVar variation 3044387 (VCV003044387.3), dbSNP rs568504276, ClinGen allele CA292007201.

ClinVar aggregate classification (germline): Likely benign. Review status: criteria provided, single submitter (1 of 4 stars). 2 submissions from 2 submitters: Likely benign (1). 1 of the submissions does not count toward it. Last evaluated 2024-11-13.

Conditions:
MKS1-related disorder. Also called: MKS1-related condition; MKS1-related disorders. Identifiers: MedGen CN239382.

Allele frequency attached by ClinVar (database versions not stated): gnomAD exomes 0.00012; 1000 Genomes Project 30x 0.00047; gnomAD 0.00048; 1000 Genomes Project 0.00060; TOPMed 0.00074.

Submissions (2):

Blueprint Genetics
Classification: Likely benign. Last evaluated: 2024-11-13. Review status: criteria provided, single submitter. Criteria: ACMG Guidelines, 2015. Collection method: clinical testing. Allele origin: germline.

PreventionGenetics, part of Exact Sciences
Classification: Likely benign for MKS1-related condition. Last evaluated: 2019-04-30. Review status: no assertion criteria provided. Collection method: clinical testing. Allele origin: germline. Not counted in ClinVar's aggregate classification.
Comment: This variant is classified as likely benign based on ACMG/AMP sequence variant interpretation guidelines (Richards et al. 2015 PMID: 25741868, with internal and published modifications).